The following is an entry in ClinVar:

NM_000426.4(LAMA2):c.1306+93T>C

Gene: LAMA2 (laminin subunit alpha 2; plus strand). Cytogenetic location: 6q22.33.
Variant type: single nucleotide variant.
Coding change: c.1306+93T>C on transcript NM_000426.4 (MANE Select); 93 bases into the intron after coding-DNA position 1306, T replaced by C.
Molecular consequence: intron variant.
Genome position (GRCh38, 1-based): chr6:129,165,768, T>C. VCF-style: chr6-129165768-T-C. GRCh37 (hg19) VCF-style: chr6-129486913-T-C.
Other names: c.1306+93T>C (NM_001079823.2).
Identifiers: ClinVar variation 682915 (VCV000682915.1), dbSNP rs3778137, ClinGen allele CA12377475.
Genomic context (GRCh38, chr6:129,165,768, plus strand): 5'-TAAAAGGACAACTAAAAGCCAAATATGATTATTTTCAGAAGAATATTTTGCAGTAAATGT[T>C]ATTCATGTAATAAATTTATTCTTTAATCTATCAGTGTATTAGCGTTCCCTCCAGGAAGTA-3'

ClinVar aggregate classification (germline): Benign (1 of 4 stars; one submission).

Allele frequency attached by ClinVar (database versions not stated): gnomAD exomes 0.27941; 1000 Genomes Project 0.39537; gnomAD 0.39540 and 0.40346; 1000 Genomes Project 30x 0.40693; TOPMed 0.40861.
gnomAD v4.1: 244,642 of 810,550 alleles (30%); highest among the groups gnomAD compares: African/African-American, 74%; 43,978 homozygotes.

Submission:

GeneDx
Classification: Benign. Last evaluated: 2018-06-14. Review status: criteria provided, single submitter. Criteria: GeneDx Variant Classification (06012015). Collection method: clinical testing. Allele origin: germline. Affected: yes.
Comment: This variant is considered likely benign or benign based on one or more of the following criteria: it is a conservative change, it occurs at a poorly conserved position in the protein, it is predicted to be benign by multiple in silico algorithms, and/or has population frequency not consistent with disease.